The following is an entry in ClinVar:

ClinVar aggregate classification (germline): Pathogenic (1 of 4 stars; one submission).

Conditions:
Mucolipidosis type II. Also called: Mucolipidosis 2; ML 2; Inclusion cell disease; Leroy Disease; N-acetylglucosamine 1phosphotransferase deficiency; ML disorder type 2. Identifiers: Orphanet 576, MedGen C2673377, MONDO:0009650, OMIM 252500.
Pseudo-Hurler polydystrophy. Also called: ML IIIA; Mucolipidosis III Alpha/Beta; MUCOLIPIDOSIS IIIA; ML III; ML III ALPHA/BETA; Type III Mucolipidosis. Identifiers: Orphanet 423461, Orphanet 577, MedGen C0033788, MONDO:0018931, OMIM 252600.

Submission:

Labcorp Genetics (formerly Invitae), Labcorp
Classification: Pathogenic for Pseudo-Hurler polydystrophy; Mucolipidosis type II. Last evaluated: 2019-06-24. Review status: criteria provided, single submitter. Criteria: Invitae Variant Classification Sherloc (09022015). Collection method: clinical testing. Allele origin: germline.
Comment: This sequence change creates a premature translational stop signal (p.Ile839Phefs*7) in the GNPTAB gene. It is expected to result in an absent or disrupted protein product. This variant is not present in population databases (ExAC no frequency). This variant has not been reported in the literature in individuals with GNPTAB-related conditions. Loss-of-function variants in GNPTAB are known to be pathogenic (PMID: 19617216, 25107912). For these reasons, this variant has been classified as Pathogenic.

Literature cited by the submitters: PubMed 19617216; PubMed 25107912.

NM_024312.5(GNPTAB):c.2515_2518del (p.Ile839fs)

Gene: GNPTAB (N-acetylglucosamine-1-phosphate transferase subunits alpha and beta; minus strand). Cytogenetic location: 12q23.2.
Variant type: Deletion.
Coding change: c.2515_2518del on transcript NM_024312.5 (MANE Select); coding-DNA positions 2515 to 2518, 4 bases deleted (ATTG; older notation c.2515_2518delATTG).
Protein change: p.Ile839fs; shifts the reading frame from isoleucine 839.
Molecular consequence: frameshift variant.
Genome position (GRCh38, 1-based): chr12:101,764,399-101,764,402, CAAT deleted on the plus strand (ATTG on the coding strand, the reverse complement: GNPTAB is on the minus strand); deleting any 4 consecutive bases within chr12:101,764,399-101,764,404 gives the same sequence; the c. name uses the placement nearest the transcript's 3' end. VCF-style (leftmost placement, unchanged base first): chr12-101764398-ACAAT-A. GRCh37 (hg19) VCF-style: chr12-102158176-ACAAT-A.
Other names: short protein forms I839fs.
Identifiers: ClinVar variation 948591 (VCV000948591.7), dbSNP rs1953052904, ClinGen allele CA1139662828.